The following is an entry in ClinVar:

NM_000553.6(WRN):c.4250C>G (p.Thr1417Ser)

Genes: WRN (WRN RecQ like helicase; plus strand), LOC126860342 (MED14-independent group 3 enhancer GRCh37_chr8:31029565-31030764; plus strand). Cytogenetic location: 8p12.
Variant type: single nucleotide variant.
Coding change: c.4250C>G on transcript NM_000553.6 (MANE Select); coding-DNA position 4250, C replaced by G.
Protein change: p.Thr1417Ser; replaces threonine 1417 with serine.
Molecular consequence: missense variant.
Genome position (GRCh38, 1-based): chr8:31,173,053, C>G. VCF-style: chr8-31173053-C-G. GRCh37 (hg19) VCF-style: chr8-31030569-C-G.
Other names: short protein forms T1417S.
Identifiers: ClinVar variation 1982784 (VCV001982784.4), dbSNP rs1804163340, ClinGen allele CA370911758.

ClinVar aggregate classification (germline): Uncertain significance (1 of 4 stars; one submission).

Conditions:
Werner syndrome (WRN). Identifiers: Orphanet 902, MedGen C0043119, MONDO:0010196, OMIM 277700.

Submission:

Labcorp Genetics (formerly Invitae), Labcorp
Classification: Uncertain significance for Werner syndrome. Last evaluated: 2024-05-21. Review status: criteria provided, single submitter. Criteria: Invitae Variant Classification Sherloc (09022015). Collection method: clinical testing. Allele origin: germline.
Comment: This sequence change replaces threonine, which is neutral and polar, with serine, which is neutral and polar, at codon 1417 of the WRN protein (p.Thr1417Ser). This variant is not present in population databases (gnomAD no frequency). This variant has not been reported in the literature in individuals affected with WRN-related conditions. ClinVar contains an entry for this variant (Variation ID: 1982784). Algorithms developed to predict the effect of missense changes on protein structure and function output the following: SIFT: "Not Available"; PolyPhen-2: "Benign"; Align-GVGD: "Not Available". The serine amino acid residue is found in multiple mammalian species, which suggests that this missense change does not adversely affect protein function. In summary, the available evidence is currently insufficient to determine the role of this variant in disease. Therefore, it has been classified as a Variant of Uncertain Significance.